The following is an entry in ClinVar:

ClinVar aggregate classification (germline): Uncertain significance (1 of 4 stars; one submission).

Submission:

Labcorp Genetics (formerly Invitae), Labcorp
Classification: Uncertain significance. Last evaluated: 2025-04-11. Review status: criteria provided, single submitter. Criteria: Invitae Variant Classification Sherloc (09022015). Collection method: clinical testing. Allele origin: germline.
Comment: This sequence change creates a premature translational stop signal (p.Leu554Profs*32) in the IL12RB2 gene. It is expected to result in an absent or disrupted protein product. However, the current clinical and genetic evidence is not sufficient to establish whether loss-of-function variants in IL12RB2 cause disease. This variant is not present in population databases (gnomAD no frequency). This variant has not been reported in the literature in individuals affected with IL12RB2-related conditions. In summary, the available evidence is currently insufficient to determine the role of this variant in disease. Therefore, it has been classified as a Variant of Uncertain Significance.

NM_001374259.2(IL12RB2):c.1661del (p.Leu554fs)

Gene: IL12RB2 (interleukin 12 receptor subunit beta 2; plus strand). Cytogenetic location: 1p31.3.
Variant type: Deletion.
Coding change: c.1661del on transcript NM_001374259.2 (MANE Select); coding-DNA position 1661, one base deleted (T; older notation c.1661delT).
Protein change: p.Leu554fs; shifts the reading frame from leucine 554.
Molecular consequence: frameshift variant. On other transcripts: non-coding transcript variant (1), intron variant (1).
Genome position (GRCh38, 1-based): chr1:67,372,727, T deleted. VCF-style (leftmost placement, unchanged base first): chr1-67372726-CT-C. GRCh37 (hg19) VCF-style: chr1-67838409-CT-C.
Other names: c.1661del, p.Leu554fs (NM_001258214.1, NM_001258216.1, NM_001319233.1 and 1 more transcripts); c.1459+4702del (NM_001258215.1); short protein forms L554fs.
Identifiers: ClinVar variation 4699666 (VCV004699666.1).
Genomic context (GRCh38, chr1:67,372,726, plus strand): 5'-AAGGGGAGCATTTTAATTTCATGGAACAGCATTCCAGTCCAGGAGCAAATGGGCTGCCTC[CT>C]CCATTATAGGATATACTGGAAGGAACGGGACTCCAACTCCCAGCCTCAGCTCTGTGGTAT-3'